The following is an entry in ClinVar:

ClinVar aggregate classification (germline): Uncertain significance (1 of 4 stars; one submission).

Allele frequency attached by ClinVar (database versions not stated): gnomAD exomes below 0.00001.
gnomAD v4.1: 2 of 1,568,232 alleles (0.00013%); highest among the groups gnomAD compares: South Asian, 0.0012%; no homozygotes.

Submission:

Labcorp Genetics (formerly Invitae), Labcorp
Classification: Uncertain significance. Last evaluated: 2022-06-29. Review status: criteria provided, single submitter. Criteria: Invitae Variant Classification Sherloc (09022015). Collection method: clinical testing. Allele origin: germline.
Comment: In summary, the available evidence is currently insufficient to determine the role of this variant in disease. Therefore, it has been classified as a Variant of Uncertain Significance. Algorithms developed to predict the effect of missense changes on protein structure and function are either unavailable or do not agree on the potential impact of this missense change (SIFT: "Deleterious"; PolyPhen-2: "Probably Damaging"; Align-GVGD: "Class C0"). This variant has not been reported in the literature in individuals affected with CLCC1-related conditions. This variant is not present in population databases (gnomAD no frequency). This sequence change replaces serine, which is neutral and polar, with isoleucine, which is neutral and non-polar, at codon 438 of the CLCC1 protein (p.Ser438Ile).

NM_001377458.1(CLCC1):c.1313G>T (p.Ser438Ile)

Gene: CLCC1 (chloride channel CLIC like 1; minus strand). Cytogenetic location: 1p13.3.
Variant type: single nucleotide variant.
Coding change: c.1313G>T on transcript NM_001377458.1 (MANE Select); coding-DNA position 1313, G replaced by T.
Protein change: p.Ser438Ile; replaces serine 438 with isoleucine.
Molecular consequence: missense variant. On other transcripts: non-coding transcript variant (1).
Genome position (GRCh38, 1-based): chr1:108,937,147, C>A on the plus strand (G>T on the coding strand, the complement: CLCC1 is on the minus strand). VCF-style: chr1-108937147-C-A. GRCh37 (hg19) VCF-style: chr1-109479769-C-A.
Other names: c.1313G>T, p.Ser438Ile (NM_001048210.3, NM_001377459.1, NM_001377460.1 and 8 more transcripts); c.950G>T, p.Ser317Ile (NM_001278202.2); c.758G>T, p.Ser253Ile (NM_001278203.1); c.1211G>T, p.Ser404Ile (NM_001377469.1); c.1022G>T, p.Ser341Ile (NM_001377470.1); c.1163G>T, p.Ser388Ile (NM_015127.5); short protein forms S253I, S388I, S317I, S404I, S341I, S438I.
Identifiers: ClinVar variation 2100044 (VCV002100044.2), dbSNP rs2524111473, ClinGen allele CA341456744.